The following is an entry in ClinVar:

NM_007055.4(POLR3A):c.3013del (p.Arg1005fs)

Gene: POLR3A (RNA polymerase III subunit A; minus strand). Cytogenetic location: 10q22.3.
Variant type: Deletion.
Coding change: c.3013del on transcript NM_007055.4 (MANE Select); coding-DNA position 3013, one base deleted (C; older notation c.3013delC).
Protein change: p.Arg1005fs; shifts the reading frame from arginine 1005.
Molecular consequence: frameshift variant.
Genome position (GRCh38, 1-based): chr10:77,985,961, G deleted on the plus strand (C on the coding strand, the reverse complement: POLR3A is on the minus strand); the first of 2 consecutive G bases (chr10:77,985,961-77,985,962); deleting either gives the same sequence. VCF-style (leftmost placement, unchanged base first): chr10-77985960-CG-C. GRCh37 (hg19) VCF-style: chr10-79745718-CG-C.
Other names: short protein forms R1005fs.
Identifiers: ClinVar variation 3720153 (VCV003720153.2).

ClinVar aggregate classification (germline): Pathogenic (1 of 4 stars; one submission).

Submission:

Labcorp Genetics (formerly Invitae), Labcorp
Classification: Pathogenic. Last evaluated: 2024-09-19. Review status: criteria provided, single submitter. Criteria: Invitae Variant Classification Sherloc (09022015). Collection method: clinical testing. Allele origin: germline.
Comment: This sequence change creates a premature translational stop signal (p.Arg1005Alafs*7) in the POLR3A gene. It is expected to result in an absent or disrupted protein product. Loss-of-function variants in POLR3A are known to be pathogenic (PMID: 21855841, 25339210, 27612211, 30414627, 30450527). This variant is present in population databases (no rsID available, gnomAD 0.007%). This variant has not been reported in the literature in individuals affected with POLR3A-related conditions. For these reasons, this variant has been classified as Pathogenic.

Literature cited by the submitters: PubMed 21855841; PubMed 25339210; PubMed 27612211; PubMed 30414627; PubMed 30450527.